The following is an entry in ClinVar:

ClinVar aggregate classification (germline): Uncertain significance (1 of 4 stars; one submission).

Conditions:
COL6A3-related disorder. Also called: COL6A3-related condition; COL6A3-related disorders.

Allele frequency attached by ClinVar (database versions not stated): gnomAD exomes below 0.00001.
gnomAD v4.1: 3 of 1,614,132 alleles (0.00019%); highest among the groups gnomAD compares: Non-Finnish European, 0.00025%; no homozygotes.

Submission:

PreventionGenetics, part of Exact Sciences
Classification: Uncertain significance for COL6A3-related condition. Last evaluated: 2022-09-20. Review status: criteria provided, single submitter. Criteria: ACMG Guidelines, 2015. Collection method: clinical testing. Allele origin: germline.
Comment: The COL6A3 c.1868C>G variant is predicted to result in the amino acid substitution p.Pro623Arg. To our knowledge, this variant has not been reported in the literature or in a large population database, indicating this variant is rare. At this time, the clinical significance of this variant is uncertain due to the absence of conclusive functional and genetic evidence.

NM_004369.4(COL6A3):c.1868C>G (p.Pro623Arg)

Gene: COL6A3 (collagen type VI alpha 3 chain; minus strand). Cytogenetic location: 2q37.3.
Variant type: single nucleotide variant.
Coding change: c.1868C>G on transcript NM_004369.4 (MANE Select); coding-DNA position 1868, C replaced by G.
Protein change: p.Pro623Arg; replaces proline 623 with arginine.
Molecular consequence: missense variant.
Genome position (GRCh38, 1-based): chr2:237,380,944, G>C on the plus strand (C>G on the coding strand, the complement: COL6A3 is on the minus strand). VCF-style: chr2-237380944-G-C. GRCh37 (hg19) VCF-style: chr2-238289587-G-C.
Other names: c.647C>G, p.Pro216Arg (NM_057164.5, NM_057166.5); c.1250C>G, p.Pro417Arg (NM_057165.5, NM_057167.4); short protein forms P216R, P417R, P623R.
Identifiers: ClinVar variation 2637139 (VCV002637139.1), dbSNP rs2469927831, ClinGen allele CA351215492.